The following is an entry in ClinVar:

ClinVar aggregate classification (germline): Likely benign (1 of 4 stars; one submission).

Submission:

CeGaT Center for Human Genetics Tuebingen
Classification: Likely benign. Last evaluated: 2024-07-01. Review status: criteria provided, single submitter. Criteria: CeGaT Center For Human Genetics Tuebingen Variant Classification Criteria Version 2. Collection method: clinical testing. Allele origin: germline. Affected: yes. Observed: 1 variant allele.
Comment: IRF2BPL: PM2:Supporting, BP4, BP7

NM_024496.4(IRF2BPL):c.303C>T (p.Ala101=)

Genes: IRF2BPL (interferon regulatory factor 2 binding protein like; minus strand), LOC107984638 (uncharacterized LOC107984638; plus strand). Cytogenetic location: 14q24.3.
Variant type: single nucleotide variant.
Coding change: c.303C>T on transcript NM_024496.4 (MANE Select); coding-DNA position 303, C replaced by T.
Protein change: p.Ala101=; no amino-acid change (alanine 101 retained).
Molecular consequence: synonymous variant.
Genome position (GRCh38, 1-based): chr14:77,027,490, G>A on the plus strand (C>T on the coding strand, the complement: IRF2BPL is on the minus strand). VCF-style: chr14-77027490-G-A. GRCh37 (hg19) VCF-style: chr14-77493833-G-A.
Identifiers: ClinVar variation 3257060 (VCV003257060.17).